The following is an entry in ClinVar:

NM_173354.5(SIK1):c.1619C>T (p.Ser540Leu)

Gene: SIK1 (salt inducible kinase 1; minus strand). Cytogenetic location: 21q22.3.
Variant type: single nucleotide variant.
Coding change: c.1619C>T on transcript NM_173354.5 (MANE Select); coding-DNA position 1619, C replaced by T.
Protein change: p.Ser540Leu; replaces serine 540 with leucine.
Molecular consequence: missense variant.
Genome position (GRCh38, 1-based): chr21:43,418,385, G>A on the plus strand (C>T on the coding strand, the complement: SIK1 is on the minus strand). VCF-style: chr21-43418385-G-A. GRCh37 (hg19) VCF-style: chr21-44838265-G-A.
Other names: short protein forms S540L.
Identifiers: ClinVar variation 948616 (VCV000948616.13), dbSNP rs200481902, ClinGen allele CA321325401.

ClinVar aggregate classification (germline): Conflicting classifications of pathogenicity. Review status: criteria provided, conflicting classifications (1 of 4 stars). 3 submissions from 3 submitters: Uncertain significance (1); Likely benign (2). Last evaluated 2025-12-30.

Conditions:
Developmental and epileptic encephalopathy, 30 (DEE30). Also called: Epileptic encephalopathy, early infantile, 30. Identifiers: MedGen C4225360, MONDO:0014595, OMIM 616341.
Inborn genetic diseases. Identifiers: MedGen C0950123, MeSH D030342.

Allele frequency attached by ClinVar (database versions not stated): TOPMed 0.00006; ESP Exome Variant Server 0.00008; gnomAD exomes 0.00017; 1000 Genomes Project 0.00020; ExAC 0.00025.

Submissions (3):

Women's Health and Genetics/Laboratory Corporation of America, LabCorp
Classification: Likely benign. Last evaluated: 2025-12-30. Review status: criteria provided, single submitter. Criteria: LabCorp Variant Classification Summary - May 2015. Collection method: clinical testing. Allele origin: germline.
Comment: Variant summary: SIK1 c.1619C>T (p.Ser540Leu) results in a non-conservative amino acid change in the encoded protein sequence. Algorithms developed to predict the effect of missense changes on protein structure and function are either unavailable or do not agree on the potential impact of this missense change. The variant allele was found at a frequency of 0.00017 in 240876 control chromosomes. To our knowledge, no occurrence of c.1619C>T in individuals affected with SIK1-related conditions and no experimental evidence demonstrating its impact on protein function have been reported. ClinVar contains an entry for this variant (Variation ID: 948616). Based on the evidence outlined above, the variant was classified as likely benign.

Labcorp Genetics (formerly Invitae), Labcorp
Classification: Likely benign for Developmental and epileptic encephalopathy, 30. Last evaluated: 2025-11-06. Review status: criteria provided, single submitter. Criteria: Invitae Variant Classification Sherloc (09022015). Collection method: clinical testing. Allele origin: germline.

Ambry Genetics
Classification: Uncertain significance for Inborn genetic diseases. Last evaluated: 2017-12-18. Review status: criteria provided, single submitter. Criteria: Ambry Variant Classification Scheme 2023. Collection method: clinical testing. Allele origin: germline.
Comment: The p.S540L variant (also known as c.1619C>T), located in coding exon 11 of the SIK1 gene, results from a C to T substitution at nucleotide position 1619. The serine at codon 540 is replaced by leucine, an amino acid with dissimilar properties. This amino acid position is well conserved in available vertebrate species. In addition, this alteration is predicted to be tolerated by in silico analysis. Since supporting evidence is limited at this time, the clinical significance of this alteration remains unclear.